The following is an entry in ClinVar:

NM_002485.5(NBN):c.1303A>G (p.Lys435Glu)

Gene: NBN (nibrin; minus strand). Cytogenetic location: 8q21.3.
Variant type: single nucleotide variant.
Coding change: c.1303A>G on transcript NM_002485.5 (MANE Select); coding-DNA position 1303, A replaced by G.
Protein change: p.Lys435Glu; replaces lysine 435 with glutamic acid.
Molecular consequence: missense variant.
Genome position (GRCh38, 1-based): chr8:89,955,377, T>C on the plus strand (A>G on the coding strand, the complement: NBN is on the minus strand). VCF-style: chr8-89955377-T-C. GRCh37 (hg19) VCF-style: chr8-90967605-T-C.
Other names: c.1057A>G, p.Lys353Glu (NM_001024688.3); short protein forms K435E, K353E.
Identifiers: ClinVar variation 418757 (VCV000418757.3), dbSNP rs749512960, ClinGen allele CA4802768.
Genomic context (GRCh38, chr8:89,955,377, plus strand): 5'-TGGAGTTGGTCTGCTGCTGCTGAGAAGCCCTATCTTTACTTTTATTTATACTTGGCAATT[T>C]AGTTGGTGAAAGCTGATAGTTTGGGATTCTCATCTTAGCCAAAGTATTTGATACCATACT-3'
Protein context (NP_002476.2, residues 425-445): RIPNYQLSPT[Lys435Glu]LPSINKSKDR

ClinVar aggregate classification (germline): Conflicting classifications of pathogenicity. Review status: criteria provided, conflicting classifications (1 of 4 stars). 2 submissions from 2 submitters: Uncertain significance (1); Likely benign (1). Last evaluated 2023-12-15.

Conditions:
Hereditary cancer-predisposing syndrome. Also called: Hereditary neoplastic syndrome; Tumor predisposition; Neoplastic Syndromes, Hereditary; Hereditary Cancer Syndrome. Identifiers: Orphanet 140162, MedGen C0027672, MeSH D009386, MONDO:0015356.

Allele frequency attached by ClinVar (database versions not stated): gnomAD exomes below 0.00001; ExAC 0.00001.

Submissions (2):

Ambry Genetics
Classification: Likely benign for Hereditary cancer-predisposing syndrome. Last evaluated: 2023-12-15. Review status: criteria provided, single submitter. Criteria: Ambry Variant Classification Scheme 2023. Collection method: clinical testing. Allele origin: germline.

GeneDx
Classification: Uncertain significance. Last evaluated: 2015-03-30. Review status: criteria provided, single submitter. Criteria: GeneDx Variant Classification (06012015). Collection method: clinical testing. Allele origin: germline. Affected: yes.
Comment: This variant is denoted NBN c.1303A>G at the cDNA level, p.Lys435Glu (K435E) at the protein level, and results in the change of a Lysine to a Glutamic Acid (AAA>GAA). This variant has not, to our knowledge, been published in the literature as pathogenic or benign. NBN Lys435Glu was not observed in approximately 6,500 individuals of European and African American ancestry in the NHLBI Exome Sequencing Project, indicating it is not a common benign variant in these populations. Since Lysine and Glutamic Acid differ in polarity, charge, size or other properties, this is considered a non-conservative amino acid substitution. NBN Lys435Glu occurs at a position that is not conserved across species and is not located in a known functional domain (UniProt). In silico analyses are inconsistent regarding the effect this variant may have on protein structure and function. Based on currently available information, it is unclear whether NBN Lys435Glu is pathogenic or benign. We consider it to be a variant of uncertain significance.